The following is an entry in ClinVar:

NM_006348.5(COG5):c.539-17G>A

Gene: COG5 (component of oligomeric golgi complex 5; minus strand). Cytogenetic location: 7q22.3.
Variant type: single nucleotide variant.
Coding change: c.539-17G>A on transcript NM_006348.5 (MANE Select); 17 bases into the intron before coding-DNA position 539, G replaced by A.
Molecular consequence: intron variant.
Genome position (GRCh38, 1-based): chr7:107,412,649, C>T on the plus strand (G>A on the coding strand, the complement: COG5 is on the minus strand). VCF-style: chr7-107412649-C-T. GRCh37 (hg19) VCF-style: chr7-107053094-C-T.
Other names: c.235-50539G>A (NM_001379516.1); c.539-114303G>A (NM_001379515.1); c.539-17G>A (NM_001379511.1, NM_001379512.1, NM_181733.4 and 3 more transcripts).
Identifiers: ClinVar variation 380531 (VCV000380531.11), dbSNP rs150929025, ClinGen allele CA4431187.

ClinVar aggregate classification (germline): Benign/Likely benign. Review status: criteria provided, multiple submitters, no conflicts (2 of 4 stars). 4 submissions from 4 submitters: Benign (3); Likely benign (1). Last evaluated 2026-01-28.

Conditions:
COG5-congenital disorder of glycosylation. Also called: CDG IIi; CONGENITAL DISORDER OF GLYCOSYLATION, TYPE IIi; COG5-CDG. Identifiers: Orphanet 263487, MedGen C3150876, MONDO:0013325, OMIM 613612.

Allele frequency attached by ClinVar (database versions not stated): gnomAD exomes 0.00323; ExAC 0.00476; gnomAD 0.01185 and 0.01278; ESP Exome Variant Server 0.01226; TOPMed 0.01321; 1000 Genomes Project 0.01398; 1000 Genomes Project 30x 0.01499.
gnomAD v4.1: 3,068 of 1,379,918 alleles (0.22%); highest among the groups gnomAD compares: African/African-American, 4%; 61 homozygotes.

Submissions (4):

Labcorp Genetics (formerly Invitae), Labcorp
Classification: Benign for COG5-congenital disorder of glycosylation. Last evaluated: 2026-01-28. Review status: criteria provided, single submitter. Criteria: Invitae Variant Classification Sherloc (09022015). Collection method: clinical testing. Allele origin: germline.

Fulgent Genetics
Classification: Likely benign for COG5-congenital disorder of glycosylation. Last evaluated: 2022-01-15. Review status: criteria provided, single submitter. Criteria: ACMG Guidelines, 2015. Collection method: clinical testing. Allele origin: unknown.

GeneDx
Classification: Benign. Last evaluated: 2016-03-01. Review status: criteria provided, single submitter. Criteria: GeneDx Variant Classification (06012015). Collection method: clinical testing. Allele origin: germline. Affected: yes.
Comment: This variant is considered likely benign or benign based on one or more of the following criteria: it is a conservative change, it occurs at a poorly conserved position in the protein, it is predicted to be benign by multiple in silico algorithms, and/or has population frequency not consistent with disease.

Breakthrough Genomics
Classification: Benign. Review status: criteria provided, single submitter. Criteria: ACMG Guidelines, 2015. Collection method: not provided. Allele origin: germline. Inheritance: Autosomal recessive inheritance. Affected: yes.